The following is an entry in ClinVar:

NM_015459.5(ATL3):c.685A>G (p.Met229Val)

Genes: ATL3 (atlastin GTPase 3; minus strand), LNCROPM (lncRNA regulator of PLAAT3 mediated phospholipid metabolism; plus strand). Cytogenetic location: 11q13.1.
Variant type: single nucleotide variant.
Coding change: c.685A>G on transcript NM_015459.5 (MANE Select); coding-DNA position 685, A replaced by G.
Protein change: p.Met229Val; replaces methionine 229 with valine.
Molecular consequence: missense variant.
Genome position (GRCh38, 1-based): chr11:63,644,195, T>C on the plus strand (A>G on the coding strand, the complement: ATL3 is on the minus strand). VCF-style: chr11-63644195-T-C. GRCh37 (hg19) VCF-style: chr11-63411667-T-C.
Other names: c.631A>G, p.Met211Val (NM_001290048.2); short protein forms M229V, M211V.
Identifiers: ClinVar variation 970507 (VCV000970507.11), dbSNP rs1245120854, ClinGen allele CA381024562.

ClinVar aggregate classification (germline): Uncertain significance. Review status: criteria provided, multiple submitters, no conflicts (2 of 4 stars). 2 submissions from 2 submitters: Uncertain significance (2). Last evaluated 2023-08-17.

Conditions:
Inborn genetic diseases. Identifiers: MedGen C0950123, MeSH D030342.
Neuropathy, hereditary sensory, type 1F. Also called: Hereditary sensory neuropathy type IF; HSN IF. Identifiers: Orphanet 36386, MedGen C3810194, MONDO:0014286, OMIM 615632.

Allele frequency attached by ClinVar (database versions not stated): gnomAD exomes below 0.00001; TOPMed below 0.00001; gnomAD 0.00001.

Submissions (2):

Labcorp Genetics (formerly Invitae), Labcorp
Classification: Uncertain significance for Neuropathy, hereditary sensory, type 1F. Last evaluated: 2023-08-17. Review status: criteria provided, single submitter. Criteria: Invitae Variant Classification Sherloc (09022015). Collection method: clinical testing. Allele origin: germline.
Comment: Advanced modeling of protein sequence and biophysical properties (such as structural, functional, and spatial information, amino acid conservation, physicochemical variation, residue mobility, and thermodynamic stability) performed at Invitae indicates that this missense variant is not expected to disrupt ATL3 protein function. In summary, the available evidence is currently insufficient to determine the role of this variant in disease. Therefore, it has been classified as a Variant of Uncertain Significance. This sequence change replaces methionine, which is neutral and non-polar, with valine, which is neutral and non-polar, at codon 229 of the ATL3 protein (p.Met229Val). This variant is not present in population databases (gnomAD no frequency). This variant has not been reported in the literature in individuals affected with ATL3-related conditions. ClinVar contains an entry for this variant (Variation ID: 970507).

Ambry Genetics
Classification: Uncertain significance for Inborn genetic diseases. Last evaluated: 2020-10-21. Review status: criteria provided, single submitter. Criteria: Ambry Variant Classification Scheme 2023. Collection method: clinical testing. Allele origin: germline.
Comment: The p.M229V variant (also known as c.685A>G), located in coding exon 7 of the ATL3 gene, results from an A to G substitution at nucleotide position 685. The methionine at codon 229 is replaced by valine, an amino acid with highly similar properties. This amino acid position is not well conserved in available vertebrate species. In addition, this alteration is predicted to be tolerated by in silico analysis. Since supporting evidence is limited at this time, the clinical significance of this alteration remains unclear.